The following is an entry in ClinVar:

ClinVar aggregate classification (germline): Uncertain significance. Review status: criteria provided, multiple submitters, no conflicts (2 of 4 stars). 2 submissions from 2 submitters: Uncertain significance (2). Last evaluated 2024-05-26.

Conditions:
Familial cancer of breast. Also called: BREAST CANCER, FAMILIAL; hereditary breast carcinoma; Hereditary breast cancer. Identifiers: Orphanet 227535, MedGen C0346153, MONDO:0016419, OMIM 114480. Disease mechanism: loss of function.
Hereditary cancer-predisposing syndrome. Also called: Neoplastic Syndromes, Hereditary; Hereditary Cancer Syndrome; Hereditary neoplastic syndrome; Tumor predisposition. Identifiers: Orphanet 140162, MedGen C0027672, MeSH D009386, MONDO:0015356.

Submissions (2):

Labcorp Genetics (formerly Invitae), Labcorp
Classification: Uncertain significance for Familial cancer of breast. Last evaluated: 2024-05-26. Review status: criteria provided, single submitter. Criteria: Invitae Variant Classification Sherloc (09022015). Collection method: clinical testing. Allele origin: germline.
Comment: This sequence change replaces valine, which is neutral and non-polar, with methionine, which is neutral and non-polar, at codon 487 of the BARD1 protein (p.Val487Met). This variant is not present in population databases (gnomAD no frequency). This variant has not been reported in the literature in individuals affected with BARD1-related conditions. ClinVar contains an entry for this variant (Variation ID: 479120). An algorithm developed to predict the effect of missense changes on protein structure and function (PolyPhen-2) suggests that this variant is likely to be disruptive. In summary, the available evidence is currently insufficient to determine the role of this variant in disease. Therefore, it has been classified as a Variant of Uncertain Significance.

Ambry Genetics
Classification: Uncertain significance for Hereditary cancer-predisposing syndrome. Last evaluated: 2023-02-22. Review status: criteria provided, single submitter. Criteria: Ambry Variant Classification Scheme 2023. Collection method: clinical testing. Allele origin: germline.
Comment: The p.V487M variant (also known as c.1459G>A), located in coding exon 6 of the BARD1 gene, results from a G to A substitution at nucleotide position 1459. The valine at codon 487 is replaced by methionine, an amino acid with highly similar properties. This amino acid position is well conserved in available vertebrate species. In addition, the in silico prediction for this alteration is inconclusive. Since supporting evidence is limited at this time, the clinical significance of this alteration remains unclear.

NM_000465.4(BARD1):c.1459G>A (p.Val487Met)

Gene: BARD1 (BRCA1 associated RING domain 1; minus strand). Cytogenetic location: 2q35.
Variant type: single nucleotide variant.
Coding change: c.1459G>A on transcript NM_000465.4 (MANE Select); coding-DNA position 1459, G replaced by A.
Protein change: p.Val487Met; replaces valine 487 with methionine.
Molecular consequence: missense variant. On other transcripts: non-coding transcript variant (3), intron variant (3).
Genome position (GRCh38, 1-based): chr2:214,767,591, C>T on the plus strand (G>A on the coding strand, the complement: BARD1 is on the minus strand). VCF-style: chr2-214767591-C-T. GRCh37 (hg19) VCF-style: chr2-215632315-C-T.
Other names: c.1402G>A, p.Val468Met (NM_001282543.2); c.159-15036G>A (NM_001282548.2); c.216-15036G>A (NM_001282545.2); c.364+24706G>A (NM_001282549.2); short protein forms V487M, V468M.
Identifiers: ClinVar variation 479120 (VCV000479120.9), dbSNP rs1553619294, ClinGen allele CA350448499.
Genomic context (GRCh38, chr2:214,767,591, plus strand): 5'-CATGCCCATTCTTGGCTGCATCGTGAAGTGGTGAGTCATTTTGATACCCGGTGGTGTTCA[C>T]CAATGCCTTATGCTGGAGCAATAATTCCACTACCTTCAGGTGCCCATGATTGCAAGCTTC-3'
Protein context (NP_000456.2, residues 477-497): VELLLQHKAL[Val487Met]NTTGYQNDSP